The following is an entry in ClinVar:

ClinVar aggregate classification (germline): Likely benign (1 of 4 stars; one submission).

gnomAD v4.1: 26 of 152,064 alleles (0.017%); highest among the groups gnomAD compares: South Asian, 0.54%; 1 homozygote.

Submission:

CeGaT Center for Human Genetics Tuebingen
Classification: Likely benign. Last evaluated: 2026-01-01. Review status: criteria provided, single submitter. Criteria: CeGaT Center For Human Genetics Tuebingen Variant Classification Criteria Version 2. Collection method: clinical testing. Allele origin: germline. Affected: yes. Observed: 1 variant allele.
Comment: CLTC: BS1

NM_004859.4(CLTC):c.2418+158G>C

Gene: CLTC (clathrin heavy chain; plus strand). Cytogenetic location: 17q23.1.
Variant type: single nucleotide variant.
Coding change: c.2418+158G>C on transcript NM_004859.4 (MANE Select); 158 bases into the intron after coding-DNA position 2418, G replaced by C.
Molecular consequence: intron variant.
Genome position (GRCh38, 1-based): chr17:59,673,930, G>C. VCF-style: chr17-59673930-G-C. GRCh37 (hg19) VCF-style: chr17-57751291-G-C.
Other names: c.2430+158G>C (NM_001288653.2).
Identifiers: ClinVar variation 4822711 (VCV004822711.4).
Genomic context (GRCh38, chr17:59,673,930, plus strand): 5'-GGTCTGCAGCTTTTAACGTGGGATTTTTTGTTTTTGTTTTTGTTTTGGAGACAGGGTCTT[G>C]CTCTGTCACCCATGCTGGAATACAGTGGCACAATCACAGCTCACTCTAACCTTAAACTCC-3'